The following is an entry in ClinVar:

NM_000218.3(KCNQ1):c.1990C>T (p.Gln664Ter)

Genes: KCNQ1 (potassium voltage-gated channel subfamily Q member 1; plus strand), KCNQ1-AS1 (KCNQ1 antisense RNA 1; minus strand). Cytogenetic location: 11p15.4.
Variant type: single nucleotide variant.
Coding change: c.1990C>T on transcript NM_000218.3 (MANE Select); coding-DNA position 1990, C replaced by T.
Protein change: p.Gln664Ter; replaces glutamine 664 with a stop codon.
Molecular consequence: nonsense.
Genome position (GRCh38, 1-based): chr11:2,847,962, C>T. VCF-style: chr11-2847962-C-T. GRCh37 (hg19) VCF-style: chr11-2869192-C-T.
Other names: c.1894C>T, p.Gln632Ter (NM_001406836.1); c.1720C>T, p.Gln574Ter (NM_001406837.1); c.1450C>T, p.Gln484Ter (NM_001406838.1); c.502C>T, p.Gln168Ter (NM_001406839.1); c.1609C>T, p.Gln537Ter (NM_181798.2); short protein forms Q484*, Q537*, Q168*, Q574*, Q632*, Q664*.
Identifiers: ClinVar variation 1783968 (VCV001783968.3), dbSNP rs2494327733, ClinGen allele CA379140575.

ClinVar aggregate classification (germline): Uncertain significance. Review status: criteria provided, multiple submitters, no conflicts (2 of 4 stars). 2 submissions from 2 submitters: Uncertain significance (2). Last evaluated 2024-10-18.

Conditions:
Cardiovascular phenotype. Identifiers: MedGen CN230736.

Submissions (2):

GeneDx
Classification: Uncertain significance. Last evaluated: 2024-10-18. Review status: criteria provided, single submitter. Criteria: GeneDx Variant Classification Process June 2021. Collection method: clinical testing. Allele origin: germline. Affected: yes.
Comment: Not observed at significant frequency in large population cohorts (gnomAD); Nonsense variant predicted to result in protein truncation as the last 13 amino acids are lost; Has not been previously published as pathogenic or benign to our knowledge

Ambry Genetics
Classification: Uncertain significance for Cardiovascular phenotype. Last evaluated: 2022-10-18. Review status: criteria provided, single submitter. Criteria: Ambry Variant Classification Scheme 2023. Collection method: clinical testing. Allele origin: germline.
Comment: The p.Q664* variant (also known as c.1990C>T), located in coding exon 16 of the KCNQ1 gene, results from a C to T substitution at nucleotide position 1990. This changes the amino acid from a glutamine to a stop codon within coding exon 16. This alteration occurs at the 3' terminus of theKCNQ1 gene, is not expected to trigger nonsense-mediated mRNAdecay, and only impacts the last 13 amino acids (1.9%) of the protein. The exact functional effect of this alteration is unknown. Since supporting evidence is limited at this time, the clinical significance of this alteration remains unclear.